The following is an entry in ClinVar:

ClinVar aggregate classification (germline): Uncertain significance. Review status: criteria provided, multiple submitters, no conflicts (2 of 4 stars). 3 submissions from 3 submitters: Uncertain significance (3). Last evaluated 2025-12-01.

Allele frequency attached by ClinVar (database versions not stated): gnomAD 0.00001; ExAC 0.00003; gnomAD exomes 0.00003 and 0.00004; ESP Exome Variant Server 0.00008.

Submissions (3):

Labcorp Genetics (formerly Invitae), Labcorp
Classification: Uncertain significance. Last evaluated: 2025-12-01. Review status: criteria provided, single submitter. Criteria: Invitae Variant Classification Sherloc (09022015). Collection method: clinical testing. Allele origin: germline.
Comment: This sequence change replaces proline, which is neutral and non-polar, with serine, which is neutral and polar, at codon 356 of the SLC7A14 protein (p.Pro356Ser). This variant is present in population databases (rs374099783, gnomAD 0.007%). This variant has not been reported in the literature in individuals affected with SLC7A14-related conditions. ClinVar contains an entry for this variant (Variation ID: 1472515). An algorithm developed to predict the effect of missense changes on protein structure and function (PolyPhen-2) suggests that this variant is likely to be disruptive. In summary, the available evidence is currently insufficient to determine the role of this variant in disease. Therefore, it has been classified as a Variant of Uncertain Significance.

Blueprint Genetics
Classification: Uncertain significance. Last evaluated: 2023-12-28. Review status: criteria provided, single submitter. Criteria: ACMG Guidelines, 2015. Collection method: clinical testing. Allele origin: germline.

Ambry Genetics
Classification: Uncertain significance. Last evaluated: 2023-10-03. Review status: criteria provided, single submitter. Criteria: Ambry Variant Classification Scheme 2023. Collection method: clinical testing. Allele origin: germline.

NM_020949.3(SLC7A14):c.1066C>T (p.Pro356Ser)

Genes: SLC7A14 (solute carrier family 7 member 14; minus strand), SLC7A14-AS1 (SLC7A14 antisense RNA 1; plus strand). Cytogenetic location: 3q26.2.
Variant type: single nucleotide variant.
Coding change: c.1066C>T on transcript NM_020949.3 (MANE Select); coding-DNA position 1066, C replaced by T.
Protein change: p.Pro356Ser; replaces proline 356 with serine.
Molecular consequence: missense variant.
Genome position (GRCh38, 1-based): chr3:170,483,363, G>A on the plus strand (C>T on the coding strand, the complement: SLC7A14 is on the minus strand). VCF-style: chr3-170483363-G-A. GRCh37 (hg19) VCF-style: chr3-170201152-G-A.
Other names: c.1066C>T (NM_020949.2); short protein forms P356S.
Identifiers: ClinVar variation 1472515 (VCV001472515.8), dbSNP rs374099783, ClinGen allele CA2701728.